The following is an entry in ClinVar:

ClinVar aggregate classification (germline): Pathogenic. Review status: criteria provided, multiple submitters, no conflicts (2 of 4 stars). 2 submissions from 2 submitters: Pathogenic (2). Last evaluated 2026-03-24.

Conditions:
Fanconi anemia complementation group C (FANCC). Also called: FANCONI PANCYTOPENIA, TYPE 3; FACC; FANCC-Related Fanconi Anemia; Fanconi anemia, group C. Identifiers: Orphanet 84, MedGen C3468041, MONDO:0009213, OMIM 227645.
Fanconi anemia (FA). Also called: Fanconi's anemia. Identifiers: Orphanet 84, MedGen C0015625, MeSH D005199, MONDO:0019391.

Submissions (2):

Myriad Genetics, Inc.
Classification: Pathogenic for Fanconi anemia complementation group C. Last evaluated: 2026-03-24. Review status: criteria provided, single submitter. Criteria: Myriad Autosomal Dominant, Autosomal Recessive and X-Linked Classification Criteria (2023). Collection method: clinical testing. Allele origin: unknown.
Comment: NM_000136.2(FANCC):c.503delG(G168Dfs*26) is expected to be pathogenic in the context of Fanconi anemia, FANCC-related. This variant is predicted to lead to an abnormal or absent protein product due to the creation of a premature termination codon in FANCC, a gene where loss-of-function variants are known to be pathogenic. Please note: this variant was assessed in the context of healthy population screening.

Labcorp Genetics (formerly Invitae), Labcorp
Classification: Pathogenic for Fanconi anemia. Last evaluated: 2024-03-04. Review status: criteria provided, single submitter. Criteria: Invitae Variant Classification Sherloc (09022015). Collection method: clinical testing. Allele origin: germline.
Comment: This sequence change creates a premature translational stop signal (p.Gly168Aspfs*26) in the FANCC gene. It is expected to result in an absent or disrupted protein product. Loss-of-function variants in FANCC are known to be pathogenic (PMID: 17924555). This variant is not present in population databases (gnomAD no frequency). This variant has not been reported in the literature in individuals affected with FANCC-related conditions. For these reasons, this variant has been classified as Pathogenic.

Literature cited by the submitters: PubMed 17924555 (cited by Labcorp Genetics (formerly Invitae), Labcorp).

NM_000136.3(FANCC):c.503del (p.Gly168fs)

Gene: FANCC (FA complementation group C; minus strand). Cytogenetic location: 9q22.32.
Variant type: Deletion.
Coding change: c.503del on transcript NM_000136.3 (MANE Select); coding-DNA position 503, one base deleted (G; older notation c.503delG).
Protein change: p.Gly168fs; shifts the reading frame from glycine 168.
Molecular consequence: frameshift variant.
Genome position (GRCh38, 1-based): chr9:95,171,097, C deleted on the plus strand (G on the coding strand, the reverse complement: FANCC is on the minus strand); the first of 2 consecutive C bases (chr9:95,171,097-95,171,098); deleting either gives the same sequence. VCF-style (leftmost placement, unchanged base first): chr9-95171096-TC-T. GRCh37 (hg19) VCF-style: chr9-97933378-TC-T.
Other names: c.503del, p.Gly168fs (NM_001243743.2, NM_001243744.2); short protein forms G168fs.
Identifiers: ClinVar variation 3644434 (VCV003644434.3).